The following is an entry in ClinVar:

ClinVar aggregate classification (germline): Likely pathogenic (1 of 4 stars; one submission).

Conditions:
Combined immunodeficiency due to DOCK8 deficiency (HIES2). Also called: HIES autosomal recessive; Hyper-IgE recurrent infection syndrome, autosomal recessive; HYPER-IgE RECURRENT INFECTION SYNDROME 2, AUTOSOMAL RECESSIVE; DOCK8 Deficiency; HYPER-IgE SYNDROME 2, AUTOSOMAL RECESSIVE, WITH RECURRENT INFECTIONS. Identifiers: Orphanet 217390, MedGen C4722305, MONDO:0009478, OMIM 243700.

Submission:

Neuberg Centre For Genomic Medicine, NCGM
Classification: Likely pathogenic for Combined immunodeficiency due to DOCK8 deficiency. Review status: criteria provided, single submitter. Criteria: ACMG Guidelines, 2015. Collection method: clinical testing. Allele origin: germline. Inheritance: Autosomal recessive inheritance. Affected: yes.
Comment: The frameshift duplication p.T1771Nfs*14 in DOCK8 (NM_203447.4) has not been reported previously as a pathogenic variant nor as a benign variant, to our knowledge. The p.T1771Nfs*14 variant is novel (not in any individuals) in gnomAD Exomes and is novel (not in any individuals) in 1000 Genomes. This variant is predicted to cause loss of normal protein function through protein truncation caused a frameshift mutation. The frame shifted sequence continues 14 residues until a stop codon is reached. The gene DOCK8 has a low rate of benign loss of function variants as indicated by a high LoF variants Z-Score of 6.02. The p.T1771Nfs*14 variant is a loss of function variant in the gene DOCK8, which is intolerant of Loss of Function variants, as indicated by the presence of existing pathogenic loss of function variant NP_982272.2:p.M1Pfs*5 and 23 others. For these reasons, this variant has been classified as Likely Pathogenic.

NM_203447.4(DOCK8):c.5311dup (p.Thr1771fs)

Gene: DOCK8 (dedicator of cytokinesis 8; plus strand). Cytogenetic location: 9p24.3.
Variant type: Duplication.
Coding change: c.5311dup on transcript NM_203447.4 (MANE Select); coding-DNA position 5311, one base duplicated (A; older notation c.5311dupA).
Protein change: p.Thr1771fs; shifts the reading frame from threonine 1771.
Molecular consequence: frameshift variant.
Genome position (GRCh38, 1-based): chr9:441,373, A duplicated. VCF-style (leftmost placement, unchanged base first): chr9-441372-C-CA. GRCh37 (hg19) VCF-style: chr9-441372-C-CA.
Other names: c.5011dup, p.Thr1671fs (NM_001190458.2); c.5107dup, p.Thr1703fs (NM_001193536.2); c.5311dupA (NM_203447.3); short protein forms T1671fs, T1703fs, T1771fs.
Identifiers: ClinVar variation 2627416 (VCV002627416.1), dbSNP rs2537430732, ClinGen allele CA2582341977.